The following is an entry in ClinVar:

NM_182914.3(SYNE2):c.17546A>G (p.Glu5849Gly)

Gene: SYNE2 (spectrin repeat containing nuclear envelope protein 2; plus strand). Cytogenetic location: 14q23.2.
Variant type: single nucleotide variant.
Coding change: c.17546A>G on transcript NM_182914.3 (MANE Select); coding-DNA position 17546, A replaced by G.
Protein change: p.Glu5849Gly; replaces glutamic acid 5849 with glycine.
Molecular consequence: missense variant.
Genome position (GRCh38, 1-based): chr14:64,177,473, A>G. VCF-style: chr14-64177473-A-G. GRCh37 (hg19) VCF-style: chr14-64644191-A-G.
Other names: c.17546A>G, p.Glu5849Gly (NM_015180.6); short protein forms E5849G.
Identifiers: ClinVar variation 2644305 (VCV002644305.26), dbSNP rs1234923737, ClinGen allele CA389985680.

ClinVar aggregate classification (germline): Uncertain significance. Review status: criteria provided, multiple submitters, no conflicts (2 of 4 stars). 2 submissions from 2 submitters: Uncertain significance (2). Last evaluated 2026-06-01.

Conditions:
Emery-Dreifuss muscular dystrophy 5, autosomal dominant (EDMD5). Also called: EMERY-DREIFUSS MUSCULAR DYSTROPHY 5. Identifiers: Orphanet 261, MedGen C2751805, MONDO:0013072, OMIM 612999.

Allele frequency attached by ClinVar (database versions not stated): gnomAD exomes below 0.00001.
gnomAD v4.1: 3 of 1,614,186 alleles (0.00019%); highest among the groups gnomAD compares: South Asian, 0.0022%; no homozygotes.

Submissions (2):

CeGaT Center for Human Genetics Tuebingen
Classification: Uncertain significance. Last evaluated: 2026-06-01. Review status: criteria provided, single submitter. Criteria: CeGaT Center For Human Genetics Tuebingen Variant Classification Criteria Version 2. Collection method: clinical testing. Allele origin: germline. Affected: yes. Observed: 2 variant alleles.

Labcorp Genetics (formerly Invitae), Labcorp
Classification: Uncertain significance for Emery-Dreifuss muscular dystrophy 5, autosomal dominant. Last evaluated: 2025-03-06. Review status: criteria provided, single submitter. Criteria: Invitae Variant Classification Sherloc (09022015). Collection method: clinical testing. Allele origin: germline.
Comment: This sequence change replaces glutamic acid, which is acidic and polar, with glycine, which is neutral and non-polar, at codon 5849 of the SYNE2 protein (p.Glu5849Gly). This variant is present in population databases (no rsID available, gnomAD 0.0009%). This variant has not been reported in the literature in individuals affected with SYNE2-related conditions. ClinVar contains an entry for this variant (Variation ID: 2644305). An algorithm developed to predict the effect of missense changes on protein structure and function (PolyPhen-2) suggests that this variant is likely to be tolerated. In summary, the available evidence is currently insufficient to determine the role of this variant in disease. Therefore, it has been classified as a Variant of Uncertain Significance.